The following is an entry in ClinVar:

ClinVar aggregate classification (germline): Pathogenic. Review status: reviewed by expert panel (3 of 4 stars). 5 submissions from 5 submitters: Pathogenic (1). 4 of the submissions do not count toward it. Last evaluated 2025-05-20.

Conditions:
RPGR-related retinopathy. Also called: RPGR retinopathy. Identifiers: MedGen CN305589, MONDO:0100437.
RPGR-related disorder. Also called: RPGR-related condition.
Primary ciliary dyskinesia. Also called: Ciliary dyskinesia. Identifiers: Orphanet 244, MedGen C0008780, MONDO:0016575, HP:0012265.

Submissions (5):

ClinGen X-linked Inherited Retinal Disease Variant Curation Expert Panel, ClinGen
Classification: Pathogenic for RPGR-related retinopathy. Last evaluated: 2025-05-20. Review status: reviewed by expert panel. Criteria: ClinGen X LinkedIRD ACMG Specifications RPGR V1.0.0. Collection method: curation. Allele origin: germline. Inheritance: X-linked inheritance.
Comment: NM_001034853.2(RPGR):c.779-1G>A is a variant disrupting a canonical splice site in intron 7 that is predicted to trigger in-frame skipping of exon 8, encoding a critical domain in the RPGR gene in which loss-of-function is an established mechanism of disease (PVS1). This variant is absent from hemizygous individuals in gnomAD v4.1.0 (PM2_Supporting). The variant has been reported to segregate with retinal dystrophy through at least 1 affected meiosis from 1 family, with mother and son both affected (PP1; PMID: 21857984). This variant has been reported in at least 2 probands (PMID: 14564670, PMID: 21857984), only one of whom has been described in detail, so that PS4_Supporting is not met. One proband harboring this variant exhibits a phenotype including rod involvement relatively greater than cone involvement (1 pt), a delayed or milder phenotype in females (1 pt), and a family history showing no male-to-male transmission ( 2 pts), which together are specific for RPGR-related retinopathy (4 points, PP4). In summary, this variant is classified as pathogenic for RPGR-related retinopathy based on the ClinGen X-linked Inherited Retinal Disease Expert Panel Specifications to the ACMG/AMP Variant Interpretation Guidelines for RPGR Version 1.0.0; PVS1, PM2_supporting, PP1, and PP4. (date of approval 05/16/2025).

Labcorp Genetics (formerly Invitae), Labcorp
Classification: Likely pathogenic for Primary ciliary dyskinesia. Last evaluated: 2022-11-08. Review status: criteria provided, single submitter. Criteria: Invitae Variant Classification Sherloc (09022015). Collection method: clinical testing. Allele origin: germline. Not counted in ClinVar's aggregate classification.
Comment: Disruption of this splice site has been observed in individual(s) with retinitis pigmentosa (PMID: 14564670). ClinVar contains an entry for this variant (Variation ID: 98802). Algorithms developed to predict the effect of sequence changes on RNA splicing suggest that this variant may disrupt the consensus splice site. In summary, the currently available evidence indicates that the variant is pathogenic, but additional data are needed to prove that conclusively. Therefore, this variant has been classified as Likely Pathogenic. This variant is not present in population databases (gnomAD no frequency). This sequence change affects an acceptor splice site in intron 7 of the RPGR gene. It is expected to disrupt RNA splicing. Variants that disrupt the donor or acceptor splice site typically lead to a loss of protein function (PMID: 16199547), and loss-of-function variants in RPGR are known to be pathogenic (PMID: 16055928, 16969763).

PreventionGenetics, part of Exact Sciences
Classification: Pathogenic. Last evaluated: 2022-04-13. Review status: criteria provided, single submitter. Criteria: ACMG Guidelines, 2015. Collection method: clinical testing. Allele origin: germline. Not counted in ClinVar's aggregate classification.

Blueprint Genetics
Classification: Likely pathogenic for RPGR-related disorders. Last evaluated: 2022-02-01. Review status: criteria provided, single submitter. Criteria: ACMG Guidelines, 2015. Collection method: clinical testing. Allele origin: germline. Affected: yes. Observed: 1 variant allele. Not counted in ClinVar's aggregate classification.

Retina International
No classification provided. Review status: no classification provided. Collection method: not provided. Allele origin: not provided. Not counted in ClinVar's aggregate classification.

Literature cited by the submitters: PubMed 14564670 (cited by Labcorp Genetics (formerly Invitae), Labcorp); PubMed 16199547 (cited by Labcorp Genetics (formerly Invitae), Labcorp); PubMed 16055928 (cited by Labcorp Genetics (formerly Invitae), Labcorp); PubMed 16969763 (cited by Labcorp Genetics (formerly Invitae), Labcorp).

NM_001034853.2(RPGR):c.779-1G>A

Gene: RPGR (retinitis pigmentosa GTPase regulator; minus strand). Cytogenetic location: Xp11.4.
Variant type: single nucleotide variant.
Coding change: c.779-1G>A on transcript NM_001034853.2 (MANE Select); the canonical splice acceptor site of the intron before coding-DNA position 779, G replaced by A.
Molecular consequence: splice acceptor variant.
Genome position (GRCh38, 1-based): chrX:38,304,791, C>T on the plus strand (G>A on the coding strand, the complement: RPGR is on the minus strand). VCF-style: chrX-38304791-C-T. GRCh37 (hg19) VCF-style: chrX-38164044-C-T.
Other names: c.776-1G>A (NM_001367249.1, NM_001367250.1, NM_001367245.1); c.779-1G>A (NM_001367251.1, NM_001367246.1, NM_001367247.1 and 1 more transcripts); c.809-1G>A (NM_001367248.1).
Identifiers: ClinVar variation 98802 (VCV000098802.7), dbSNP rs62638655, ClinGen allele CA226446.
Genomic context (GRCh38, chrX:38,304,791, plus strand): 5'-GAAAAGTGCCAAGACCCAGCTGACCAAATTGTCCCAGCCCAAAGGTATACACAGCATTCT[C>T]TGAAAGGAAAGGGGCAAATACAAGACAAGGATTATGGAAGCAGACACTGTTACCATCATA-3'